The following is an entry in ClinVar:

ClinVar aggregate classification (germline): Likely benign (1 of 4 stars; one submission).

Conditions:
Oculotrichoanal syndrome (MOTA). Also called: MARLES SYNDROME; Manitoba Oculotrichoanal (MOTA) Syndrome. Identifiers: Orphanet 2717, MedGen C1855425, MONDO:0009560, OMIM 248450.

Allele frequency attached by ClinVar (database versions not stated): gnomAD 0.00005 and 0.00007; 1000 Genomes Project 30x 0.00047; 1000 Genomes Project 0.00040; TOPMed 0.00006.

Submission:

Illumina Laboratory Services, Illumina
Classification: Likely benign for Oculotrichoanal syndrome. Last evaluated: 2018-01-12. Review status: criteria provided, single submitter. Criteria: ICSL Variant Classification Criteria 13 December 2019. Collection method: clinical testing. Allele origin: germline.
Comment: This variant was observed in the ICSL laboratory as part of a predisposition screen in an ostensibly healthy population. It had not been previously curated by ICSL or reported in the Human Gene Mutation Database (HGMD: prior to June 1st, 2018), and was therefore a candidate for classification through an automated scoring system. Utilizing variant allele frequency, disease prevalence and penetrance estimates, and inheritance mode, an automated score was calculated to assess if this variant is too frequent to cause the disease. Based on the score and internal cut-off values, a variant classified as likely benign is not then subjected to further curation. The score for this variant resulted in a classification of likely benign for this disease.

NM_144966.5(FREM1):c.*2405T>G

Gene: FREM1 (FRAS1 related extracellular matrix 1; minus strand). Cytogenetic location: 9p22.3.
Variant type: single nucleotide variant.
Coding change: c.*2405T>G on transcript NM_144966.5; 2405 bases downstream of the stop codon, T replaced by G.
Genome position (GRCh38, 1-based): chr9:14,734,991, A>C on the plus strand (T>G on the coding strand, the complement: FREM1 is on the minus strand). VCF-style: chr9-14734991-A-C. GRCh37 (hg19) VCF-style: chr9-14734989-A-C.
Identifiers: ClinVar variation 366054 (VCV000366054.7), dbSNP rs183890666, ClinGen allele CA10629676.
Genomic context (GRCh38, chr9:14,734,991, plus strand): 5'-TATTGTTAGCAAATAGATGCTATGTTTTTGTTAAAGACCAAACAATCAGAAGATTCTGAA[A>C]AGCTAGACACTATTGAGCTGGACTGACGCCCCTGGACACAGTGGGCCTTTTCCTGAGGTG-3'